The following is an entry in ClinVar:

NM_001040108.2(MLH3):c.2449A>C (p.Ser817Arg)

Gene: MLH3 (mutL homolog 3; minus strand). Cytogenetic location: 14q24.3.
Variant type: single nucleotide variant.
Coding change: c.2449A>C on transcript NM_001040108.2 (MANE Select); coding-DNA position 2449, A replaced by C.
Protein change: p.Ser817Arg; replaces serine 817 with arginine.
Molecular consequence: missense variant.
Genome position (GRCh38, 1-based): chr14:75,047,207, T>G on the plus strand (A>C on the coding strand, the complement: MLH3 is on the minus strand). VCF-style: chr14-75047207-T-G. GRCh37 (hg19) VCF-style: chr14-75513910-T-G.
Other names: c.2449A>C, p.Ser817Arg (NM_014381.3); short protein forms S817R.
Identifiers: ClinVar variation 4552056 (VCV004552056.1).

ClinVar aggregate classification (germline): Uncertain significance (1 of 4 stars; one submission).

gnomAD v4.1: 17 of 1,614,034 alleles (0.0011%); highest among the groups gnomAD compares: Non-Finnish European, 0.0014%; no homozygotes.

Submission:

Ambry Genetics
Classification: Uncertain significance. Last evaluated: 2025-09-16. Review status: criteria provided, single submitter. Criteria: Ambry Variant Classification Scheme 2023. Collection method: clinical testing. Allele origin: germline.
Comment: The p.S817R variant (also known as c.2449A>C), located in coding exon 1 of the MLH3 gene, results from an A to C substitution at nucleotide position 2449. The serine at codon 817 is replaced by arginine, an amino acid with dissimilar properties. This amino acid position is well conserved in available vertebrate species. In addition, this alteration is predicted to be tolerated by in silico analysis. The evidence for this gene-disease relationship is limited; therefore, the clinical significance of this alteration is unclear.